The following is an entry in ClinVar:

ClinVar aggregate classification (germline): Benign (1 of 4 stars; one submission).

Submission:

CeGaT Center for Human Genetics Tuebingen
Classification: Benign. Last evaluated: 2026-09-01. Review status: criteria provided, single submitter. Criteria: CeGaT Center For Human Genetics Tuebingen Variant Classification Criteria Version 2. Collection method: clinical testing. Allele origin: germline. Affected: yes. Observed: 20 variant alleles.
Comment: BRD4: BS1, BS2

NM_001379291.1(BRD4):c.2158+2707C>G

Gene: BRD4 (bromodomain containing 4; minus strand). Cytogenetic location: 19p13.12.
Variant type: single nucleotide variant.
Coding change: c.2158+2707C>G on transcript NM_001379291.1 (MANE Select); 2707 bases into the intron after coding-DNA position 2158, C replaced by G.
Molecular consequence: intron variant.
Genome position (GRCh38, 1-based): chr19:15,251,445, G>C on the plus strand (C>G on the coding strand, the complement: BRD4 is on the minus strand). VCF-style: chr19-15251445-G-C. GRCh37 (hg19) VCF-style: chr19-15362256-G-C.
Other names: c.2158+2707C>G (NM_058243.3); c.2159-2155C>G (NM_001379292.1, NM_014299.3).
Identifiers: ClinVar variation 2649473 (VCV002649473.24), dbSNP rs868483567, ClinGen allele CA305797541.